The following is an entry in ClinVar:

ClinVar aggregate classification (germline): Uncertain significance (1 of 4 stars; one submission).

Allele frequency attached by ClinVar (database versions not stated): gnomAD exomes below 0.00001; TOPMed below 0.00001.
gnomAD v4.1: 1 of 1,614,100 alleles (0.000062%); highest among the groups gnomAD compares: South Asian, 0.0011%; no homozygotes.

Submission:

Labcorp Genetics (formerly Invitae), Labcorp
Classification: Uncertain significance. Last evaluated: 2022-02-19. Review status: criteria provided, single submitter. Criteria: Invitae Variant Classification Sherloc (09022015). Collection method: clinical testing. Allele origin: germline.
Comment: This sequence change replaces cysteine, which is neutral and slightly polar, with tyrosine, which is neutral and polar, at codon 321 of the MICAL1 protein (p.Cys321Tyr). This variant is not present in population databases (gnomAD no frequency). This variant has not been reported in the literature in individuals affected with MICAL1-related conditions. Algorithms developed to predict the effect of missense changes on protein structure and function are either unavailable or do not agree on the potential impact of this missense change (SIFT: "Deleterious"; PolyPhen-2: "Probably Damaging"; Align-GVGD: "Class C0"). In summary, the available evidence is currently insufficient to determine the role of this variant in disease. Therefore, it has been classified as a Variant of Uncertain Significance.

NM_022765.4(MICAL1):c.905G>A (p.Cys302Tyr)

Gene: MICAL1 (microtubule associated monooxygenase, calponin and LIM domain containing 1; minus strand). Cytogenetic location: 6q21.
Variant type: single nucleotide variant.
Coding change: c.905G>A on transcript NM_022765.4 (MANE Select); coding-DNA position 905, G replaced by A.
Protein change: p.Cys302Tyr; replaces cysteine 302 with tyrosine.
Molecular consequence: missense variant.
Genome position (GRCh38, 1-based): chr6:109,451,628, C>T on the plus strand (G>A on the coding strand, the complement: MICAL1 is on the minus strand). VCF-style: chr6-109451628-C-T. GRCh37 (hg19) VCF-style: chr6-109772831-C-T.
Other names: c.905G>A, p.Cys302Tyr (NM_001159291.2); c.962G>A, p.Cys321Tyr (NM_001286613.2); short protein forms C321Y, C302Y.
Identifiers: ClinVar variation 1382021 (VCV001382021.6), dbSNP rs1775547223, ClinGen allele CA365232130.